The following is an entry in ClinVar:

NM_000037.4(ANK1):c.2576dup (p.Arg861fs)

Gene: ANK1 (ankyrin 1; minus strand). Cytogenetic location: 8p11.21.
Variant type: Duplication.
Coding change: c.2576dup on transcript NM_000037.4 (MANE Select); coding-DNA position 2576, one base duplicated (T; older notation c.2576dupT).
Protein change: p.Arg861fs; shifts the reading frame from arginine 861.
Molecular consequence: frameshift variant.
Genome position (GRCh38, 1-based): chr8:41,698,104, A duplicated on the plus strand (T on the coding strand, the reverse complement: ANK1 is on the minus strand). VCF-style (leftmost placement, unchanged base first): chr8-41698103-G-GA. GRCh37 (hg19) VCF-style: chr8-41555621-G-GA.
Other names: c.2699dup, p.Arg902fs (NM_001142446.2); c.2576dup, p.Arg861fs (NM_020475.3, NM_020476.3, NM_020477.3); short protein forms R902fs, R861fs.
Identifiers: ClinVar variation 4723668 (VCV004723668.1).
Genomic context (GRCh38, chr8:41,698,103, plus strand): 5'-CTGCTCCTGCTCTTCTGACCTGATCACCACTGTCTCAGGCATGGCACAGGGAATCCTGGG[G>GA]ATGGCTGGAGATTCCACCCTGCGTGCCAAGAACACCAGAACATCACAGGGCTGATCCACA-3'

ClinVar aggregate classification (germline): Pathogenic (1 of 4 stars; one submission).

Submission:

Labcorp Genetics (formerly Invitae), Labcorp
Classification: Pathogenic. Last evaluated: 2025-07-21. Review status: criteria provided, single submitter. Criteria: Invitae Variant Classification Sherloc (09022015). Collection method: clinical testing. Allele origin: germline.
Comment: This sequence change creates a premature translational stop signal (p.Arg861Glnfs*8) in the ANK1 gene. It is expected to result in an absent or disrupted protein product. Loss-of-function variants in ANK1 are known to be pathogenic (PMID: 8640229). This variant is not present in population databases (gnomAD no frequency). This variant has not been reported in the literature in individuals affected with ANK1-related conditions. Algorithms developed to predict the effect of sequence changes on RNA splicing suggest that this variant may disrupt the consensus splice site. For these reasons, this variant has been classified as Pathogenic.

Literature cited by the submitters: PubMed 8640229.